The following is an entry in ClinVar:

NM_001972.4(ELANE):c.233G>T (p.Arg78Leu)

Gene: ELANE (elastase, neutrophil expressed; plus strand). Cytogenetic location: 19p13.3.
Variant type: single nucleotide variant.
Coding change: c.233G>T on transcript NM_001972.4 (MANE Select); coding-DNA position 233, G replaced by T.
Protein change: p.Arg78Leu; replaces arginine 78 with leucine.
Molecular consequence: missense variant.
Genome position (GRCh38, 1-based): chr19:853,270, G>T. VCF-style: chr19-853270-G-T. GRCh37 (hg19) VCF-style: chr19-853270-G-T.
Other names: short protein forms R78L.
Identifiers: ClinVar variation 2932141 (VCV002932141.4), dbSNP rs569608929, ClinGen allele CA402915127.

ClinVar aggregate classification (germline): Uncertain significance. Review status: criteria provided, multiple submitters, no conflicts (2 of 4 stars). 2 submissions from 2 submitters: Uncertain significance (2). Last evaluated 2025-06-13.

Conditions:
Inborn genetic diseases. Identifiers: MedGen C0950123, MeSH D030342.
Neutropenia, severe congenital, 1, autosomal dominant. Identifiers: MedGen C1859966, MONDO:0042490, OMIM 202700.
Cyclical neutropenia. Also called: Cyclic hematopoiesis; Cyclic Neutropenia. Identifiers: Orphanet 2686, MedGen C0221023, MONDO:0008090, OMIM 162800, HP:0040289. Disease mechanism: loss of function.

gnomAD v4.1: 1 of 1,602,246 alleles (0.000062%); highest among the groups gnomAD compares: Non-Finnish European, 0.000085%; no homozygotes.

Submissions (2):

Ambry Genetics
Classification: Uncertain significance for Inborn genetic diseases. Last evaluated: 2025-06-13. Review status: criteria provided, single submitter. Criteria: Ambry Variant Classification Scheme 2023. Collection method: clinical testing. Allele origin: germline.
Comment: The p.R78L variant (also known as c.233G>T), located in coding exon 3 of the ELANE gene, results from a G to T substitution at nucleotide position 233. The arginine at codon 78 is replaced by leucine, an amino acid with dissimilar properties. This amino acid position is conserved. In addition, the in silico prediction for this alteration is inconclusive. Based on the available evidence, the clinical significance of this variant remains unclear.

Labcorp Genetics (formerly Invitae), Labcorp
Classification: Uncertain significance for Neutropenia, severe congenital, 1, autosomal dominant; Cyclical neutropenia. Last evaluated: 2023-03-22. Review status: criteria provided, single submitter. Criteria: Invitae Variant Classification Sherloc (09022015). Collection method: clinical testing. Allele origin: germline.
Comment: This sequence change replaces arginine, which is basic and polar, with leucine, which is neutral and non-polar, at codon 78 of the ELANE protein (p.Arg78Leu). This variant is not present in population databases (gnomAD no frequency). This variant has not been reported in the literature in individuals affected with ELANE-related conditions. Advanced modeling of protein sequence and biophysical properties (such as structural, functional, and spatial information, amino acid conservation, physicochemical variation, residue mobility, and thermodynamic stability) has been performed at Invitae for this missense variant, however the output from this modeling did not meet the statistical confidence thresholds required to predict the impact of this variant on ELANE protein function. In summary, the available evidence is currently insufficient to determine the role of this variant in disease. Therefore, it has been classified as a Variant of Uncertain Significance.